The following is an entry in ClinVar:

ClinVar aggregate classification (germline): Conflicting classifications of pathogenicity. Review status: criteria provided, conflicting classifications (1 of 4 stars). 3 submissions from 3 submitters: Uncertain significance (2); Likely benign (1). Last evaluated 2025-12-21.

Allele frequency attached by ClinVar (database versions not stated): TOPMed 0.00003; ESP Exome Variant Server 0.00008; 1000 Genomes Project 30x 0.00016; 1000 Genomes Project 0.00020.
gnomAD v4.1: 31 of 1,599,988 alleles (0.0019%); highest among the groups gnomAD compares: Middle Eastern, 0.017%; no homozygotes.

Submissions (3):

Labcorp Genetics (formerly Invitae), Labcorp
Classification: Uncertain significance. Last evaluated: 2025-12-21. Review status: criteria provided, single submitter. Criteria: Invitae Variant Classification Sherloc (09022015). Collection method: clinical testing. Allele origin: germline.
Comment: This sequence change replaces serine, which is neutral and polar, with leucine, which is neutral and non-polar, at codon 141 of the NAF1 protein (p.Ser141Leu). This variant is present in population databases (rs200588702, gnomAD 0.007%). This variant has not been reported in the literature in individuals affected with NAF1-related conditions. ClinVar contains an entry for this variant (Variation ID: 2180941). An algorithm developed to predict the effect of missense changes on protein structure and function (PolyPhen-2) suggests that this variant is likely to be disruptive. In summary, the available evidence is currently insufficient to determine the role of this variant in disease. Therefore, it has been classified as a Variant of Uncertain Significance.

Laboratory of Genetics, Children's Clinical University Hospital Latvia
Classification: Likely benign. Last evaluated: 2025-02-16. Review status: criteria provided, single submitter. Criteria: ACMG Guidelines, 2015. Collection method: clinical testing. Allele origin: germline. Affected: yes.

Ambry Genetics
Classification: Uncertain significance. Last evaluated: 2023-05-18. Review status: criteria provided, single submitter. Criteria: Ambry Variant Classification Scheme 2023. Collection method: clinical testing. Allele origin: germline.

NM_138386.3(NAF1):c.422C>T (p.Ser141Leu)

Gene: NAF1 (nuclear assembly factor 1 ribonucleoprotein; minus strand). Cytogenetic location: 4q32.2.
Variant type: single nucleotide variant.
Coding change: c.422C>T on transcript NM_138386.3 (MANE Select); coding-DNA position 422, C replaced by T.
Protein change: p.Ser141Leu; replaces serine 141 with leucine.
Molecular consequence: missense variant.
Genome position (GRCh38, 1-based): chr4:163,164,335, G>A on the plus strand (C>T on the coding strand, the complement: NAF1 is on the minus strand). VCF-style: chr4-163164335-G-A. GRCh37 (hg19) VCF-style: chr4-164085487-G-A.
Other names: c.422C>T, p.Ser141Leu (NM_001128931.2); c.422C>T (NM_138386.2); short protein forms S141L.
Identifiers: ClinVar variation 2180941 (VCV002180941.7), dbSNP rs200588702, ClinGen allele CA3126368.